The following is an entry in ClinVar:

ClinVar aggregate classification (germline): Likely benign. Review status: criteria provided, multiple submitters, no conflicts (2 of 4 stars). 2 submissions from 2 submitters: Likely benign (2). Last evaluated 2025-12-11.

Conditions:
Progressive microcephaly-seizures-cortical blindness-developmental delay syndrome. Also called: Seizures, cortical blindness, and microcephaly syndrome. Identifiers: Orphanet 477814, MedGen C5567650, MONDO:0014714, OMIM 616632.
Autosomal dominant nonsyndromic hearing loss 1. Also called: KONIGSMARK SYNDROME; DEAFNESS, AUTOSOMAL DOMINANT 1, WITH OR WITHOUT THROMBOCYTOPENIA. Identifiers: Orphanet 90635, MedGen C1852282, MONDO:0007424, OMIM 124900.

Submissions (2):

Women's Health and Genetics/Laboratory Corporation of America, LabCorp
Classification: Likely benign. Last evaluated: 2025-12-11. Review status: criteria provided, single submitter. Criteria: LabCorp Variant Classification Summary - May 2015. Collection method: clinical testing. Allele origin: germline.
Comment: Variant summary: DIAPH1 c.3661+16G>A alters a non-conserved nucleotide located at a position not widely known to affect splicing. Consensus agreement among computation tools predict no significant impact on normal splicing. However, these predictions have yet to be confirmed by functional studies. The variant was absent in 249528 control chromosomes. The available data on variant occurrences in the general population are insufficient to allow any conclusion about variant significance. To our knowledge, no occurrence of c.3661+16G>A in individuals affected with DIAPH1-related conditions and no experimental evidence demonstrating its impact on protein function have been reported. ClinVar contains an entry for this variant (Variation ID: 1628060). Based on the evidence outlined above, the variant was classified as likely benign.

Labcorp Genetics (formerly Invitae), Labcorp
Classification: Likely benign for Progressive microcephaly-seizures-cortical blindness-developmental delay syndrome; Autosomal dominant nonsyndromic hearing loss 1. Last evaluated: 2023-11-07. Review status: criteria provided, single submitter. Criteria: Invitae Variant Classification Sherloc (09022015). Collection method: clinical testing. Allele origin: germline.

NM_005219.5(DIAPH1):c.3661+16G>A

Gene: DIAPH1 (diaphanous related formin 1; minus strand). Cytogenetic location: 5q31.3.
Variant type: single nucleotide variant.
Coding change: c.3661+16G>A on transcript NM_005219.5 (MANE Select); 16 bases into the intron after coding-DNA position 3661, G replaced by A.
Molecular consequence: intron variant.
Genome position (GRCh38, 1-based): chr5:141,524,127, C>T on the plus strand (G>A on the coding strand, the complement: DIAPH1 is on the minus strand). VCF-style: chr5-141524127-C-T. GRCh37 (hg19) VCF-style: chr5-140903694-C-T.
Other names: c.3634+16G>A (NM_001079812.3); c.3661+16G>A (NM_001314007.2).
Identifiers: ClinVar variation 1628060 (VCV001628060.9), dbSNP rs2154594915, ClinGen allele CA2573139210.
Genomic context (GRCh38, chr5:141,524,127, plus strand): 5'-TTTAGCCGCAGACTGGCAGGAGTAGAGAGCCCTCACCCCCTTCGACACCCAGGATGAGCT[C>T]CATGTGCTTACTTACCTTGACGGGGCCCTCTCTTCCGTCGGAATGCTGCCCCTGACTGCA-3'